The following is an entry in ClinVar:

ClinVar aggregate classification (germline): Uncertain significance (1 of 4 stars; one submission).

Allele frequency attached by ClinVar (database versions not stated): gnomAD exomes 0.00001; ExAC 0.00002; gnomAD 0.00003; TOPMed 0.00003.
gnomAD v4.1: 16 of 1,613,862 alleles (0.00099%); highest among the groups gnomAD compares: African/African-American, 0.0053%; no homozygotes.

Submission:

Ambry Genetics
Classification: Uncertain significance. Last evaluated: 2023-11-08. Review status: criteria provided, single submitter. Criteria: Ambry Variant Classification Scheme 2023. Collection method: clinical testing. Allele origin: germline.
Comment: The p.R320W variant (also known as c.958C>T), located in coding exon 9 of the RAD54L gene, results from a C to T substitution at nucleotide position 958. The arginine at codon 320 is replaced by tryptophan, an amino acid with dissimilar properties. This amino acid position is conserved. In addition, this alteration is predicted to be deleterious by in silico analysis. Since supporting evidence is limited at this time, the clinical significance of this alteration remains unclear.

NM_003579.4(RAD54L):c.958C>T (p.Arg320Trp)

Gene: RAD54L (RAD54 like; plus strand). Cytogenetic location: 1p34.1.
Variant type: single nucleotide variant.
Coding change: c.958C>T on transcript NM_003579.4 (MANE Select); coding-DNA position 958, C replaced by T.
Protein change: p.Arg320Trp; replaces arginine 320 with tryptophan.
Molecular consequence: missense variant.
Genome position (GRCh38, 1-based): chr1:46,267,525, C>T. VCF-style: chr1-46267525-C-T. GRCh37 (hg19) VCF-style: chr1-46733197-C-T.
Other names: c.958C>T, p.Arg320Trp (NM_001142548.2); c.418C>T, p.Arg140Trp (NM_001370766.1); short protein forms R140W, R320W.
Identifiers: ClinVar variation 1767469 (VCV001767469.2), dbSNP rs754817150, ClinGen allele CA834433.